The following is an entry in ClinVar:

ClinVar aggregate classification (germline): Uncertain significance (1 of 4 stars; one submission).

Conditions:
Oligodontia-cancer predisposition syndrome. Also called: TOOTH AGENESIS-COLORECTAL CANCER SYNDROME. Identifiers: Orphanet 300576, MedGen C1837750, MONDO:0012075, OMIM 608615. Disease mechanism: loss of function.

Submission:

Labcorp Genetics (formerly Invitae), Labcorp
Classification: Uncertain significance for Oligodontia-cancer predisposition syndrome. Last evaluated: 2022-10-13. Review status: criteria provided, single submitter. Criteria: Invitae Variant Classification Sherloc (09022015). Collection method: clinical testing. Allele origin: germline.
Comment: This variant has not been reported in the literature in individuals affected with AXIN2-related conditions. In summary, the available evidence is currently insufficient to determine the role of this variant in disease. Therefore, it has been classified as a Variant of Uncertain Significance. Algorithms developed to predict the effect of missense changes on protein structure and function (SIFT, PolyPhen-2, Align-GVGD) all suggest that this variant is likely to be disruptive. This variant is not present in population databases (gnomAD no frequency). This sequence change replaces glycine, which is neutral and non-polar, with cysteine, which is neutral and slightly polar, at codon 87 of the AXIN2 protein (p.Gly87Cys).

NM_004655.4(AXIN2):c.259G>T (p.Gly87Cys)

Gene: AXIN2 (axin 2; minus strand). Cytogenetic location: 17q24.1.
Variant type: single nucleotide variant.
Coding change: c.259G>T on transcript NM_004655.4 (MANE Select); coding-DNA position 259, G replaced by T.
Protein change: p.Gly87Cys; replaces glycine 87 with cysteine.
Molecular consequence: missense variant.
Genome position (GRCh38, 1-based): chr17:65,558,362, C>A on the plus strand (G>T on the coding strand, the complement: AXIN2 is on the minus strand). VCF-style: chr17-65558362-C-A. GRCh37 (hg19) VCF-style: chr17-63554480-C-A.
Other names: c.259G>T, p.Gly87Cys (NM_001363813.1); short protein forms G87C.
Identifiers: ClinVar variation 2104000 (VCV002104000.4), dbSNP rs2144589032, ClinGen allele CA400681793.